The following is an entry in ClinVar:

ClinVar aggregate classification (germline): Likely pathogenic (1 of 4 stars; one submission).

Conditions:
Curry-Hall syndrome (WAD). Also called: WEYERS ACRODENTAL DYSOSTOSIS. Identifiers: Orphanet 952, MedGen C0457013, MONDO:0008673, OMIM 193530.
Ellis-van Creveld syndrome (EVC). Also called: Chondroectodermal dysplasia; EVC-Related Ellis-van Creveld Syndrome; EVC2-Related Ellis-van Creveld Syndrome; MESOECTODERMAL DYSPLASIA. Identifiers: Orphanet 289, MedGen C0013903, MONDO:0009162, OMIM 225500.

Submission:

Labcorp Genetics (formerly Invitae), Labcorp
Classification: Likely pathogenic for Curry-Hall syndrome; Ellis-van Creveld syndrome. Last evaluated: 2019-06-12. Review status: criteria provided, single submitter. Criteria: Invitae Variant Classification Sherloc (09022015). Collection method: clinical testing. Allele origin: germline.
Comment: This variant is a deletion of the genomic region encompassing exon 11 and part of exon 12 (c.1471-2169_1835del) of the EVC2 gene. It is expected to disrupt RNA splicing and likely results in an absent or disrupted protein product. This variant has not been reported in the literature in individuals with EVC2-related conditions. Loss-of-function variants in EVC2 are known to be pathogenic (PMID: 17024374, 19810119, 19876929). In summary, the currently available evidence indicates that the variant is pathogenic, but additional data are needed to prove that conclusively. Therefore, this variant has been classified as Likely Pathogenic.

NM_147127.5(EVC2):c.1471-2168_1835del

Gene: EVC2 (EvC ciliary complex subunit 2; minus strand). Cytogenetic location: 4p16.2.
Variant type: Deletion.
Coding change: c.1471-2168_1835del on transcript NM_147127.5 (MANE Select); 2168 bases into the intron before coding-DNA position 1471 through coding-DNA position 1835, 5,591 bases deleted.
Molecular consequence: splice acceptor variant, splice donor variant.
Genome position (GRCh38, 1-based): chr4:5,628,610-5,634,200, 5,591 bases deleted. GRCh37 (hg19): chr4:5,630,338-5,635,928.
Other names: c.1231-2168_1595del (NM_001166136.2).
Identifiers: ClinVar variation 944240 (VCV000944240.2), ClinGen allele CA1139658424.